The following is an entry in ClinVar:

NM_003737.4(DCHS1):c.1402A>C (p.Asn468His)

Gene: DCHS1 (dachsous cadherin-related 1; minus strand). Cytogenetic location: 11p15.4.
Variant type: single nucleotide variant.
Coding change: c.1402A>C on transcript NM_003737.4 (MANE Select); coding-DNA position 1402, A replaced by C.
Protein change: p.Asn468His; replaces asparagine 468 with histidine.
Molecular consequence: missense variant.
Genome position (GRCh38, 1-based): chr11:6,640,212, T>G on the plus strand (A>C on the coding strand, the complement: DCHS1 is on the minus strand). VCF-style: chr11-6640212-T-G. GRCh37 (hg19) VCF-style: chr11-6661443-T-G.
Other names: short protein forms N468H.
Identifiers: ClinVar variation 2210738 (VCV002210738.3), dbSNP rs541058491, ClinGen allele CA5860976.

ClinVar aggregate classification (germline): Uncertain significance. Review status: criteria provided, multiple submitters, no conflicts (2 of 4 stars). 2 submissions from 2 submitters: Uncertain significance (2). Last evaluated 2025-04-30.

Conditions:
Inborn genetic diseases. Identifiers: MedGen C0950123, MeSH D030342.

Allele frequency attached by ClinVar (database versions not stated): gnomAD exomes below 0.00001; ExAC 0.00002; TOPMed 0.00002; gnomAD 0.00003; 1000 Genomes Project 0.00020; 1000 Genomes Project 30x 0.00031.
gnomAD v4.1: 8 of 1,613,382 alleles (0.0005%); highest among the groups gnomAD compares: African/African-American, 0.011%; no homozygotes.

Submissions (2):

Labcorp Genetics (formerly Invitae), Labcorp
Classification: Uncertain significance. Last evaluated: 2025-04-30. Review status: criteria provided, single submitter. Criteria: Invitae Variant Classification Sherloc (09022015). Collection method: clinical testing. Allele origin: germline.
Comment: This sequence change replaces asparagine, which is neutral and polar, with histidine, which is basic and polar, at codon 468 of the DCHS1 protein (p.Asn468His). This variant is present in population databases (rs541058491, gnomAD 0.02%). This variant has not been reported in the literature in individuals affected with DCHS1-related conditions. ClinVar contains an entry for this variant (Variation ID: 2210738). Invitae Evidence Modeling of protein sequence and biophysical properties (such as structural, functional, and spatial information, amino acid conservation, physicochemical variation, residue mobility, and thermodynamic stability) indicates that this missense variant is not expected to disrupt DCHS1 protein function with a negative predictive value of 95%. In summary, the available evidence is currently insufficient to determine the role of this variant in disease. Therefore, it has been classified as a Variant of Uncertain Significance.

Ambry Genetics
Classification: Uncertain significance for Inborn genetic diseases. Last evaluated: 2022-09-14. Review status: criteria provided, single submitter. Criteria: Ambry Variant Classification Scheme 2023. Collection method: clinical testing. Allele origin: germline.